The following is an entry in ClinVar:

ClinVar aggregate classification (germline): Uncertain significance (1 of 4 stars; one submission).

gnomAD v4.1: 29 of 1,613,922 alleles (0.0018%); highest among the groups gnomAD compares: Admixed American, 0.0033%; no homozygotes.

Submission:

Ambry Genetics
Classification: Uncertain significance. Last evaluated: 2025-11-03. Review status: criteria provided, single submitter. Criteria: Ambry Variant Classification Scheme 2023. Collection method: clinical testing. Allele origin: germline.
Comment: The c.5686A>G (p.I1896V) alteration is located in exon 37 (coding exon 37) of the CSMD1 gene. This alteration results from a A to G substitution at nucleotide position 5686, causing the isoleucine (I) at amino acid position 1896 to be replaced by a valine (V). Based on data from gnomAD, the G allele has an overall frequency of 0.001% (2/249090) total alleles studied. The highest observed frequency was 0.002% (2/112962) of European (non-Finnish) alleles. Based on insufficient or conflicting evidence, the clinical significance of this alteration remains unclear.

NM_033225.6(CSMD1):c.5686A>G (p.Ile1896Val)

Gene: CSMD1 (CUB and Sushi multiple domains 1; minus strand). Cytogenetic location: 8p23.2.
Variant type: single nucleotide variant.
Coding change: c.5686A>G on transcript NM_033225.6 (MANE Select); coding-DNA position 5686, A replaced by G.
Protein change: p.Ile1896Val; replaces isoleucine 1896 with valine.
Molecular consequence: missense variant.
Genome position (GRCh38, 1-based): chr8:3,181,149, T>C on the plus strand (A>G on the coding strand, the complement: CSMD1 is on the minus strand). VCF-style: chr8-3181149-T-C. GRCh37 (hg19) VCF-style: chr8-3038671-T-C.
Other names: short protein forms I1896V.
Identifiers: ClinVar variation 4657061 (VCV004657061.1).
Genomic context (GRCh38, chr8:3,181,149, plus strand): 5'-TACAGAAAGAGTTGACCTTACTTTTGTATTCCAGGTGGAAACCAGCAGCTGCCACACTAA[T>C]GTCAGACTGGAAATGCAGGTAGAGTTGGTTGGAAGTACTGTTCAGCAGTGCCGGTACTGT-3'
Protein context (NP_150094.5, residues 1886-1906): NQLYLHFQSD[Ile1896Val]SVAAAGFHLE